The following is an entry in ClinVar:

NM_001844.5(COL2A1):c.691G>C (p.Gly231Arg)

Gene: COL2A1 (collagen type II alpha 1 chain; minus strand). Cytogenetic location: 12q13.11.
Variant type: single nucleotide variant.
Coding change: c.691G>C on transcript NM_001844.5 (MANE Select); coding-DNA position 691, G replaced by C.
Protein change: p.Gly231Arg; replaces glycine 231 with arginine.
Molecular consequence: missense variant.
Genome position (GRCh38, 1-based): chr12:47,995,727, C>G on the plus strand (G>C on the coding strand, the complement: COL2A1 is on the minus strand). VCF-style: chr12-47995727-C-G. GRCh37 (hg19) VCF-style: chr12-48389510-C-G.
Other names: c.484G>C, p.Gly162Arg (NM_033150.3); short protein forms G231R, G162R.
Identifiers: ClinVar variation 4540605 (VCV004540605.1).
Genomic context (GRCh38, chr12:47,995,727, plus strand): 5'-AGAGGCTCCCCCAGAGAAGGGACAGGGCCGTGCTGGTACTCACAGAGACACCAGGTTCAC[C>G]AGGTTCACCAGGATTGCCTTGAAATCCTTGAGGCCCCTAAAAAGTAAAATGAGGATACCA-3'
Protein context (NP_001835.3, residues 221-241): QGFQGNPGEP[Gly231Arg]EPGVSGPMGP

ClinVar aggregate classification (germline): Pathogenic (1 of 4 stars; one submission).

Conditions:
Stickler syndrome. Identifiers: Orphanet 828, MedGen C0265253, MONDO:0019354.

Submission:

Cambridge Genomics Laboratory, East Genomic Laboratory Hub, NHS Genomic Medicine Service
Classification: Pathogenic for Stickler syndrome. Last evaluated: 2025-10-23. Review status: criteria provided, single submitter. Criteria: ACGS Best Practice Guidelines for Variant Classification in Rare Disease 2020. Collection method: clinical testing. Allele origin: germline. Affected: yes.
Comment: PS2_Moderate,PM1_Strong,PM2,PM5,PP3